The following is an entry in ClinVar:

NM_032119.4(ADGRV1):c.9862del (p.Ser3288fs)

Gene: ADGRV1 (adhesion G protein-coupled receptor V1; plus strand). Cytogenetic location: 5q14.3.
Variant type: Deletion.
Coding change: c.9862del on transcript NM_032119.4 (MANE Select); coding-DNA position 9862, one base deleted (T; older notation c.9862delT).
Protein change: p.Ser3288fs; shifts the reading frame from serine 3288.
Molecular consequence: frameshift variant. On other transcripts: non-coding transcript variant (1).
Genome position (GRCh38, 1-based): chr5:90,724,945, T deleted. VCF-style (leftmost placement, unchanged base first): chr5-90724944-AT-A. GRCh37 (hg19) VCF-style: chr5-90020761-AT-A.
Other names: short protein forms S3288fs.
Identifiers: ClinVar variation 2877093 (VCV002877093.3), dbSNP rs2531322648, ClinGen allele CA2578359335.

ClinVar aggregate classification (germline): Pathogenic (1 of 4 stars; one submission).

Allele frequency attached by ClinVar (database versions not stated): gnomAD exomes below 0.00001.

Submission:

Labcorp Genetics (formerly Invitae), Labcorp
Classification: Pathogenic. Last evaluated: 2023-05-13. Review status: criteria provided, single submitter. Criteria: Invitae Variant Classification Sherloc (09022015). Collection method: clinical testing. Allele origin: germline.
Comment: This sequence change creates a premature translational stop signal (p.Ser3288Leufs*17) in the ADGRV1 gene. It is expected to result in an absent or disrupted protein product. Loss-of-function variants in ADGRV1 are known to be pathogenic (PMID: 19357117, 22135276, 22147658, 26226137, 30718709, 31047384, 32467589). This variant is not present in population databases (gnomAD no frequency). This variant has not been reported in the literature in individuals affected with ADGRV1-related conditions. For these reasons, this variant has been classified as Pathogenic.

Literature cited by the submitters: PubMed 19357117; PubMed 22135276; PubMed 22147658; PubMed 26226137; PubMed 30718709; PubMed 31047384; PubMed 32467589.